The following is an entry in ClinVar:

NM_000368.5(TSC1):c.2890G>T (p.Asp964Tyr)

Gene: TSC1 (TSC complex subunit 1; minus strand). Cytogenetic location: 9q34.13.
Variant type: single nucleotide variant.
Coding change: c.2890G>T on transcript NM_000368.5 (MANE Select); coding-DNA position 2890, G replaced by T.
Protein change: p.Asp964Tyr; replaces aspartic acid 964 with tyrosine.
Molecular consequence: missense variant. On other transcripts: non-coding transcript variant (5).
Genome position (GRCh38, 1-based): chr9:132,897,269, C>A on the plus strand (G>T on the coding strand, the complement: TSC1 is on the minus strand). VCF-style: chr9-132897269-C-A. GRCh37 (hg19) VCF-style: chr9-135772656-C-A.
Other names: c.2887G>T, p.Asp963Tyr (NM_001162426.2, NM_001406597.1, NM_001406598.1 and 2 more transcripts); c.2737G>T, p.Asp913Tyr (NM_001162427.2, NM_001406610.1); c.2527G>T, p.Asp843Tyr (NM_001362177.2, NM_001406614.1, NM_001406615.1 and 4 more transcripts); c.2890G>T, p.Asp964Tyr (NM_001406592.1, NM_001406593.1, NM_001406594.1 and 2 more transcripts); c.2875G>T, p.Asp959Tyr (NM_001406601.1, NM_001406602.1); c.2872G>T, p.Asp958Tyr (NM_001406603.1, NM_001406604.1); c.2848G>T, p.Asp950Tyr (NM_001406605.1, NM_001406606.1, NM_001406607.1); c.2845G>T, p.Asp949Tyr (NM_001406608.1, NM_001406609.1); and 8 more; short protein forms D828Y, D912Y, D913Y, D950Y, D842Y, D647Y, D829Y, D898Y.
Identifiers: ClinVar variation 3811236 (VCV003811236.1).
Genomic context (GRCh38, chr9:132,897,269, plus strand): 5'-CTGCTTTTTCTTCTTCAAGTTTTTTCAGGAGGCCATCTTTCTCCAACCTGCCATATAAAT[C>A]TAAGATCTCCAATTCAAACACCTGGGTTATCCTTTTCTGAGCCTCATACCTGCTCTCTGC-3'
Protein context (NP_000359.1, residues 954-974): ITQVFELEIL[Asp964Tyr]LYGRLEKDGL

ClinVar aggregate classification (germline): Uncertain significance (1 of 4 stars; one submission).

Conditions:
Hereditary cancer-predisposing syndrome. Also called: Neoplastic Syndromes, Hereditary; Hereditary Cancer Syndrome; Tumor predisposition; Hereditary neoplastic syndrome. Identifiers: Orphanet 140162, MedGen C0027672, MeSH D009386, MONDO:0015356.

Submission:

Ambry Genetics
Classification: Uncertain significance for Hereditary cancer-predisposing syndrome. Last evaluated: 2025-01-23. Review status: criteria provided, single submitter. Criteria: Ambry Variant Classification Scheme 2023. Collection method: clinical testing. Allele origin: germline.
Comment: The c.2890G>T variant (also known as p.D964Y), located in coding exon 20 of the TSC1 gene, results from a G to T substitution at nucleotide position 2890. The aspartic acid at codon 964 is replaced by tyrosine, an amino acid with highly dissimilar properties. This nucleotide position is well conserved in available vertebrate species. In silico splice site analysis predicts that this alteration will result in the creation or strengthening of a novel splice acceptor site. RNA studies have demonstrated that this alteration results in an incomplete splice defect; the clinical impact of this abnormal splicing is unknown at this time (Ambry internal data). In addition, RNA studies have demonstrated that this alteration results in a transcript predicted to lead to a protein with an in-frame deletion of 30 amino acids; however, the exact functional impact of the deleted amino acids is unknown at this time (Ambry internal data). Based on the available evidence, the clinical significance of this variant remains unclear.